The following is an entry in ClinVar:

ClinVar aggregate classification (germline): Conflicting classifications of pathogenicity. Review status: criteria provided, conflicting classifications (1 of 4 stars). 2 submissions from 2 submitters: Likely pathogenic (1); Uncertain significance (1). Last evaluated 2023-07-17.

Conditions:
Inborn genetic diseases. Identifiers: MedGen C0950123, MeSH D030342.
Schinzel-Giedion syndrome (SGS). Identifiers: Orphanet 798, MedGen C0265227, MONDO:0010010, OMIM 269150.

Submissions (2):

Ambry Genetics
Classification: Uncertain significance for Inborn genetic diseases. Last evaluated: 2023-07-17. Review status: criteria provided, single submitter. Criteria: Ambry Variant Classification Scheme 2023. Collection method: clinical testing. Allele origin: germline.
Comment: The c.2561C>A (p.S854Y) alteration is located in exon 4 (coding exon 3) of the SETBP1 gene. This alteration results from a C to A substitution at nucleotide position 2561, causing the serine (S) at amino acid position 854 to be replaced by a tyrosine (Y). This variant was not reported in population-based cohorts in the Genome Aggregation Database (gnomAD). Another alteration at the same codon, c.2561C>G (p.S854C), has been detected in at least one individual with nephrocalcinosis, velopharyngeal insufficiency, joint hypermobility, widely spaced teeth, developmental delays/intellectual disability (Deciphering Developmental Disorders, 2015). This amino acid position is highly conserved in available vertebrate species. This alteration is predicted to be deleterious by in silico analysis. Based on insufficient or conflicting evidence, the clinical significance of this alteration remains unclear.

Illumina Laboratory Services, Illumina
Classification: Likely pathogenic for Schinzel-Giedion syndrome. Last evaluated: 2019-08-12. Review status: criteria provided, single submitter. Criteria: ICSLVariantClassificationCriteria RUGD 01 April 2020. Collection method: clinical testing. Allele origin: unknown.
Comment: The SETBP1 c.2561C>A (p.Ser854Tyr) variant is a missense variant. A literature search was performed for the gene, cDNA change, and amino acid change. No publications were found based on this search. This variant is not found in the Genome Aggregation Database in a region of good sequencing coverage, so the variant is presumed to be rare. The variant is located in exon 4, in the SKI homologous region, a domain that has been identified as a mutational hotspot associated with Schinzel-Giedion syndrome (Carvalho et al. 2015). Based on the identification of the variant in a de novo state, its location in a mutational hotspot, and its absence from the population databases, the p.Ser854Tyr variant is classified as likely pathogenic for Schinzel-Giedion syndrome.

Literature cited by the submitters: PubMed 25533962 (cited by Ambry Genetics); PubMed 25663181 (cited by Illumina Laboratory Services, Illumina).

NM_015559.3(SETBP1):c.2561C>A (p.Ser854Tyr)

Gene: SETBP1 (SET binding protein 1; plus strand). Cytogenetic location: 18q12.3.
Variant type: single nucleotide variant.
Coding change: c.2561C>A on transcript NM_015559.3 (MANE Select); coding-DNA position 2561, C replaced by A.
Protein change: p.Ser854Tyr; replaces serine 854 with tyrosine.
Molecular consequence: missense variant.
Genome position (GRCh38, 1-based): chr18:44,951,901, C>A. VCF-style: chr18-44951901-C-A. GRCh37 (hg19) VCF-style: chr18-42531866-C-A.
Other names: c.2561C>A, p.Ser854Tyr (NM_001379141.1, NM_001379142.1); short protein forms S854Y.
Identifiers: ClinVar variation 989326 (VCV000989326.6), dbSNP rs2071362354, ClinGen allele CA402321707.
Genomic context (GRCh38, chr18:44,951,901, plus strand): 5'-TGATGGCCAACTCCCCTTCACACCTGTGCGAGATTGGCTCCCTAAAGGAAATCACGCTGT[C>A]CCCTGTGAGCGAGTCCCACAGTGAGGAGACGATCCCCAGCGACAGCGGCATTGGGACAGA-3'
Protein context (NP_056374.2, residues 844-864): EIGSLKEITL[Ser854Tyr]PVSESHSEET